The following is an entry in ClinVar:

ClinVar aggregate classification (germline): Uncertain significance (1 of 4 stars; one submission).

Conditions:
Congenital brain dysgenesis due to glutamine synthetase deficiency (GLND). Also called: GLUTAMINE SYNTHASE DEFICIENCY, CONGENITAL SYSTEMIC. Identifiers: Orphanet 71278, MedGen C1864910, MONDO:0012393, OMIM 610015.

Allele frequency attached by ClinVar (database versions not stated): gnomAD 0.00001; gnomAD exomes 0.00001 and 0.00002; TOPMed 0.00002.

Submission:

Labcorp Genetics (formerly Invitae), Labcorp
Classification: Uncertain significance for Congenital brain dysgenesis due to glutamine synthetase deficiency. Last evaluated: 2025-05-05. Review status: criteria provided, single submitter. Criteria: Invitae Variant Classification Sherloc (09022015). Collection method: clinical testing. Allele origin: germline.
Comment: This sequence change replaces proline, which is neutral and non-polar, with serine, which is neutral and polar, at codon 21 of the GLUL protein (p.Pro21Ser). This variant is present in population databases (no rsID available, gnomAD 0.01%). This variant has not been reported in the literature in individuals affected with GLUL-related conditions. ClinVar contains an entry for this variant (Variation ID: 1403493). An algorithm developed to predict the effect of missense changes on protein structure and function (PolyPhen-2) suggests that this variant is likely to be tolerated. In summary, the available evidence is currently insufficient to determine the role of this variant in disease. Therefore, it has been classified as a Variant of Uncertain Significance.

NM_001033044.4(GLUL):c.61C>T (p.Pro21Ser)

Gene: GLUL (glutamate-ammonia ligase; minus strand). Cytogenetic location: 1q25.3.
Variant type: single nucleotide variant.
Coding change: c.61C>T on transcript NM_001033044.4 (MANE Select); coding-DNA position 61, C replaced by T.
Protein change: p.Pro21Ser; replaces proline 21 with serine.
Molecular consequence: missense variant.
Genome position (GRCh38, 1-based): chr1:182,388,677, G>A on the plus strand (C>T on the coding strand, the complement: GLUL is on the minus strand). VCF-style: chr1-182388677-G-A. GRCh37 (hg19) VCF-style: chr1-182357812-G-A.
Other names: c.61C>T, p.Pro21Ser (NM_001033056.4, NM_002065.7); short protein forms P21S.
Identifiers: ClinVar variation 1403493 (VCV001403493.6), dbSNP rs1056451074, ClinGen allele CA33833648.